The following is an entry in ClinVar:

NM_004456.5(EZH2):c.2191T>C (p.Tyr731His)

Gene: EZH2 (enhancer of zeste 2 polycomb repressive complex 2 subunit; minus strand). Cytogenetic location: 7q36.1.
Variant type: single nucleotide variant.
Coding change: c.2191T>C on transcript NM_004456.5 (MANE Select); coding-DNA position 2191, T replaced by C.
Protein change: p.Tyr731His; replaces tyrosine 731 with histidine.
Molecular consequence: missense variant.
Genome position (GRCh38, 1-based): chr7:148,809,075, A>G on the plus strand (T>C on the coding strand, the complement: EZH2 is on the minus strand). VCF-style: chr7-148809075-A-G. GRCh37 (hg19) VCF-style: chr7-148506167-A-G.
Other names: c.2176T>C, p.Tyr726His (NM_001203247.2); c.2149T>C, p.Tyr717His (NM_001203248.2); c.2023T>C, p.Tyr675His (NM_001203249.2); c.2059T>C, p.Tyr687His (NM_152998.3); short protein forms Y731H, Y675H, Y717H, Y726H, Y687H.
Identifiers: ClinVar variation 431817 (VCV000431817.2), dbSNP rs1554481113, ClinGen allele CA369711890.

ClinVar aggregate classification (germline): Likely pathogenic (1 of 4 stars; one submission).

Submission:

GeneDx
Classification: Likely pathogenic. Last evaluated: 2015-01-07. Review status: criteria provided, single submitter. Criteria: GeneDx Variant Classification (06012015). Collection method: clinical testing. Allele origin: germline. Affected: yes.
Comment: p.Tyr731His (TAC>CAC): c.2191 T>C in exon 19 of the EZH2 gene (NM_004456.4)A novel Y731H variant that is likely pathogenic has been identified in the EZH2 gene. Y731H has not been published as pathogenic, nor has it been reported as a benign polymorphism to our knowledge. It was not observed in approximately 6,500 individuals of European and African American ancestry in an external variant database, indicating it is not a common benign variant in these populations. The Y731H variant is a non-conservative amino acid substitution, which is likely to impact secondary protein structure as these residues differ in polarity, charge, size and/or other properties. This substitution occurs at a position that is conserved across species, and in silico analysis predicts this variant is probably damaging to the protein structure/function. Furthermore, missense variants in nearby residues (S734G, Y741C) have been reported in the Human Gene Mutation Database in association with Weaver syndrome (Stenson et al., 2014). Therefore, this is a strong candidate for a pathogenic variant, however the possibility that it is a benign variant cannot be excluded.